The following is an entry in ClinVar:

NM_000062.3(SERPING1):c.751del (p.Val250_Leu251insTer)

Gene: SERPING1 (serpin family G member 1; plus strand). Cytogenetic location: 11q12.1.
Variant type: Deletion.
Coding change: c.751del on transcript NM_000062.3 (MANE Select); coding-DNA position 751, one base deleted (C; older notation c.751delC).
Protein change: p.Val250_Leu251insTer.
Molecular consequence: nonsense.
Genome position (GRCh38, 1-based): chr11:57,606,075, C deleted; the last of 2 consecutive C bases (chr11:57,606,074-57,606,075); deleting either gives the same sequence. VCF-style (leftmost placement, unchanged base first): chr11-57606073-TC-T. GRCh37 (hg19) VCF-style: chr11-57373546-TC-T.
Other names: c.751del, p.Val250_Leu251insTer (NM_001032295.2); c.751delC (NM_000062.3).
Identifiers: ClinVar variation 3255497 (VCV003255497.2), dbSNP rs2495440645.

ClinVar aggregate classification (germline): Pathogenic (1 of 4 stars; one submission).

Conditions:
Hereditary angioedema type 1 (HAE1). Identifiers: Orphanet 100050, Orphanet 100051, Orphanet 91378, MedGen C2717906, MONDO:0015053, OMIM 106100.

Submission:

DNA-diagnostics Laboratory, Research Centre For Medical Genetics
Classification: Pathogenic for Hereditary angioedema type 1. Last evaluated: 2024-07-21. Review status: criteria provided, single submitter. Criteria: ACMG Guidelines, 2015. Collection method: research. Allele origin: germline. Inheritance: Autosomal dominant inheritance. Affected: yes. Observed: 1 heterozygote.
Comment: According to our observation and the published information of Verpy et al., 1996, the c.751delC variant in SERPING1 meets ACMG/ClinGen SVI guidance criteria to be classified as pathogenic: PVS1, PS4_Mod, PP4_Mod, PM2_Sup

Literature cited by the submitters: PubMed 8755917.